The following is an entry in ClinVar:

ClinVar aggregate classification (germline): Uncertain significance. Review status: criteria provided, multiple submitters, no conflicts (2 of 4 stars). 2 submissions from 2 submitters: Uncertain significance (2). Last evaluated 2025-10-03.

Conditions:
Hereditary cancer-predisposing syndrome. Also called: Tumor predisposition; Hereditary neoplastic syndrome; Neoplastic Syndromes, Hereditary; Hereditary Cancer Syndrome. Identifiers: Orphanet 140162, MedGen C0027672, MeSH D009386, MONDO:0015356.
Retinoblastoma (RB1). Also called: RETINOBLASTOMA, SOMATIC. Identifiers: Orphanet 790, MedGen C0035335, MeSH D012175, MONDO:0008380, OMIM 180200, HP:0009919. Disease mechanism: loss of function. Inheritance: Both sporadic and heritable forms are tested..

Allele frequency attached by ClinVar (database versions not stated): TOPMed below 0.00001; gnomAD 0.00001.
gnomAD v4.1: 5 of 1,332,914 alleles (0.00038%); highest among the groups gnomAD compares: African/African-American, 0.0016%; no homozygotes.

Submissions (2):

Ambry Genetics
Classification: Uncertain significance for Hereditary cancer-predisposing syndrome. Last evaluated: 2025-10-03. Review status: criteria provided, single submitter. Criteria: Ambry Variant Classification Scheme 2023. Collection method: clinical testing. Allele origin: germline.
Comment: The p.R467Q variant (also known as c.1400G>A), located in coding exon 15 of the RB1 gene, results from a G to A substitution at nucleotide position 1400. The arginine at codon 467 is replaced by glutamine, an amino acid with highly similar properties. This amino acid position is highly conserved in available vertebrate species. In addition, the in silico prediction for this alteration is inconclusive. Based on the available evidence, the clinical significance of this variant remains unclear.

Labcorp Genetics (formerly Invitae), Labcorp
Classification: Uncertain significance for Retinoblastoma. Last evaluated: 2022-12-10. Review status: criteria provided, single submitter. Criteria: Invitae Variant Classification Sherloc (09022015). Collection method: clinical testing. Allele origin: germline.
Comment: This sequence change replaces arginine, which is basic and polar, with glutamine, which is neutral and polar, at codon 467 of the RB1 protein (p.Arg467Gln). This variant is not present in population databases (gnomAD no frequency). In summary, the available evidence is currently insufficient to determine the role of this variant in disease. Therefore, it has been classified as a Variant of Uncertain Significance. ClinVar contains an entry for this variant (Variation ID: 953076). Advanced modeling of protein sequence and biophysical properties (such as structural, functional, and spatial information, amino acid conservation, physicochemical variation, residue mobility, and thermodynamic stability) performed at Invitae indicates that this missense variant is expected to disrupt RB1 protein function. This variant has not been reported in the literature in individuals affected with RB1-related conditions.

NM_000321.3(RB1):c.1400G>A (p.Arg467Gln)

Gene: RB1 (RB transcriptional corepressor 1; plus strand). Cytogenetic location: 13q14.2.
Variant type: single nucleotide variant.
Coding change: c.1400G>A on transcript NM_000321.3 (MANE Select); coding-DNA position 1400, G replaced by A.
Protein change: p.Arg467Gln; replaces arginine 467 with glutamine.
Molecular consequence: missense variant.
Genome position (GRCh38, 1-based): chr13:48,380,063, G>A. VCF-style: chr13-48380063-G-A. GRCh37 (hg19) VCF-style: chr13-48954199-G-A.
Other names: short protein forms R467Q.
Identifiers: ClinVar variation 953076 (VCV000953076.10), dbSNP rs1948519905, ClinGen allele CA388162692.
Genomic context (GRCh38, chr13:48,380,063, plus strand): 5'-AGGTTTCAATTAAACAACTTCTTTTTTTTTTTTTAAATTATCTGTTTCAGGAAGAAGAAC[G>A]ATTATCCATTCAAAATTTTAGGTAAATTTTTTACTTTTAGTAAAAAATTTTTTTCTTTTT-3'
Protein context (NP_000312.2, residues 457-477): MESMLKSEEE[Arg467Gln]LSIQNFSKLL